The following is an entry in ClinVar:

NM_020806.5(GPHN):c.1837-16_1837-11del

Gene: GPHN (gephyrin; plus strand). Cytogenetic location: 14q23.3.
Variant type: Deletion.
Coding change: c.1837-16_1837-11del on transcript NM_020806.5 (MANE Select); 16 bases into the intron before coding-DNA position 1837 through 11 bases into the intron before coding-DNA position 1837, 6 bases deleted (TTTTTA; older notation c.1837-16_1837-11delTTTTTA).
Molecular consequence: intron variant.
Genome position (GRCh38, 1-based): chr14:67,159,399-67,159,404, TTTTTA deleted; deleting any 6 consecutive bases within chr14:67,159,396-67,159,404 gives the same sequence; the c. name uses the placement nearest the transcript's 3' end. VCF-style (leftmost placement, unchanged base first): chr14-67159395-ATTATTT-A. GRCh37 (hg19) VCF-style: chr14-67626112-ATTATTT-A.
Other names: c.1897-16_1897-11del (NM_001377514.1); c.1777-16_1777-11del (NM_001377519.1); c.1867-16_1867-11del (NM_001377515.1); c.1858-16_1858-11del (NM_001377516.1); c.1795-16_1795-11del (NM_001377518.1); c.1810-16_1810-11del (NM_001377517.1); c.1738-16_1738-11del (NM_001024218.2).
Identifiers: ClinVar variation 2818965 (VCV002818965.3), dbSNP rs2544154380, ClinGen allele CA2739278563.

ClinVar aggregate classification (germline): Uncertain significance (1 of 4 stars; one submission).

Conditions:
Sulfite oxidase deficiency due to molybdenum cofactor deficiency type C. Also called: Molybdenum cofactor deficiency, complementation group C; Molybdenum cofactor deficiency C. Identifiers: Orphanet 308400, Orphanet 833, MedGen C1854990, MONDO:0014212, OMIM 615501.

Submission:

Labcorp Genetics (formerly Invitae), Labcorp
Classification: Uncertain significance for Sulfite oxidase deficiency due to molybdenum cofactor deficiency type C. Last evaluated: 2022-12-06. Review status: criteria provided, single submitter. Criteria: Invitae Variant Classification Sherloc (09022015). Collection method: clinical testing. Allele origin: germline.
Comment: In summary, the available evidence is currently insufficient to determine the role of this variant in disease. Therefore, it has been classified as a Variant of Uncertain Significance. Algorithms developed to predict the effect of sequence changes on RNA splicing suggest that this variant may disrupt the consensus splice site. This variant has not been reported in the literature in individuals affected with GPHN-related conditions. This variant is not present in population databases (gnomAD no frequency). This sequence change falls in intron 18 of the GPHN gene. It does not directly change the encoded amino acid sequence of the GPHN protein.